The following is an entry in ClinVar:

ClinVar aggregate classification (germline): Likely benign. Review status: criteria provided, multiple submitters, no conflicts (2 of 4 stars). 3 submissions from 3 submitters: Likely benign (3). Last evaluated 2022-05-01.

Allele frequency attached by ClinVar (database versions not stated): 1000 Genomes Project 0.00060; 1000 Genomes Project 30x 0.00078; gnomAD 0.00153 and 0.00157; TOPMed 0.00154; ESP Exome Variant Server 0.00161; gnomAD exomes 0.00167 and 0.00186; ExAC 0.00171.
gnomAD v4.1: 2,729 of 1,614,166 alleles (0.17%); highest among the groups gnomAD compares: Middle Eastern, 1.1%; 9 homozygotes.

Submissions (3):

CeGaT Center for Human Genetics Tuebingen
Classification: Likely benign. Last evaluated: 2022-05-01. Review status: criteria provided, single submitter. Criteria: CeGaT Center For Human Genetics Tuebingen Variant Classification Criteria Version 2. Collection method: clinical testing. Allele origin: germline. Affected: yes. Observed: 1 variant allele.
Comment: ALDH1L1: BP4, BP7

Labcorp Genetics (formerly Invitae), Labcorp
Classification: Likely benign. Last evaluated: 2018-03-29. Review status: criteria provided, single submitter. Criteria: Invitae Variant Classification Sherloc (09022015). Collection method: clinical testing. Allele origin: germline.

Breakthrough Genomics
Classification: Likely benign. Review status: criteria provided, single submitter. Criteria: ACMG Guidelines, 2015. Collection method: not provided. Allele origin: germline. Inheritance: Unknown mechanism. Affected: yes.

NM_012190.4(ALDH1L1):c.234C>T (p.Ala78=)

Gene: ALDH1L1 (aldehyde dehydrogenase 1 family member L1; minus strand). Cytogenetic location: 3q21.3.
Variant type: single nucleotide variant.
Coding change: c.234C>T on transcript NM_012190.4 (MANE Select); coding-DNA position 234, C replaced by T.
Protein change: p.Ala78=; no amino-acid change (alanine 78 retained).
Molecular consequence: synonymous variant. On other transcripts: non-coding transcript variant (1).
Genome position (GRCh38, 1-based): chr3:126,158,533, G>A on the plus strand (C>T on the coding strand, the complement: ALDH1L1 is on the minus strand). VCF-style: chr3-126158533-G-A. GRCh37 (hg19) VCF-style: chr3-125877376-G-A.
Other names: c.264C>T, p.Ala88= (NM_001270364.2); c.234C>T, p.Ala78= (NM_001270365.2).
Identifiers: ClinVar variation 734456 (VCV000734456.28), dbSNP rs139827128, ClinGen allele CA2588875.